The following is an entry in ClinVar:

ClinVar aggregate classification (germline): Pathogenic (1 of 4 stars; one submission).

Conditions:
Multiple congenital exostosis (EXT). Also called: MULTIPLE CARTILAGINOUS EXOSTOSES; Multiple exostoses; Hereditary multiple osteochondromas; Hereditary multiple exostoses; Hereditary multiple exostosis; Multiple osteochondromas. Identifiers: Orphanet 321, MedGen C0015306, MONDO:0005508, HP:0002762.

Submission:

Labcorp Genetics (formerly Invitae), Labcorp
Classification: Pathogenic for Multiple congenital exostosis. Last evaluated: 2024-11-21. Review status: criteria provided, single submitter. Criteria: Invitae Variant Classification Sherloc (09022015). Collection method: clinical testing. Allele origin: germline.
Comment: This sequence change affects an acceptor splice site in intron 1 of the EXT1 gene. It is expected to disrupt RNA splicing. Variants that disrupt the donor or acceptor splice site typically lead to a loss of protein function (PMID: 16199547), and loss-of-function variants in EXT1 are known to be pathogenic (PMID: 10679937, 11391482, 19810120). This variant is not present in population databases (gnomAD no frequency). Disruption of this splice site has been observed in individual(s) with multiple osteochondromas (PMID: 19810120). Algorithms developed to predict the effect of sequence changes on RNA splicing suggest that this variant may disrupt the consensus splice site. For these reasons, this variant has been classified as Pathogenic.

Literature cited by the submitters: PubMed 16199547; PubMed 10679937; PubMed 11391482; PubMed 19810120.

NM_000127.3(EXT1):c.963-1G>A

Gene: EXT1 (exostosin glycosyltransferase 1; minus strand). Cytogenetic location: 8q24.11.
Variant type: single nucleotide variant.
Coding change: c.963-1G>A on transcript NM_000127.3 (MANE Select); the canonical splice acceptor site of the intron before coding-DNA position 963, G replaced by A.
Molecular consequence: splice acceptor variant.
Genome position (GRCh38, 1-based): chr8:117,837,202, C>T on the plus strand (G>A on the coding strand, the complement: EXT1 is on the minus strand). VCF-style: chr8-117837202-C-T. GRCh37 (hg19) VCF-style: chr8-118849441-C-T.
Identifiers: ClinVar variation 3720867 (VCV003720867.2).